The following is an entry in ClinVar:

NM_003200.5(TCF3):c.164G>C (p.Ser55Thr)

Gene: TCF3 (transcription factor 3; minus strand). Cytogenetic location: 19p13.3.
Variant type: single nucleotide variant.
Coding change: c.164G>C on transcript NM_003200.5 (MANE Select); coding-DNA position 164, G replaced by C.
Protein change: p.Ser55Thr; replaces serine 55 with threonine.
Molecular consequence: missense variant.
Genome position (GRCh38, 1-based): chr19:1,632,387, C>G on the plus strand (G>C on the coding strand, the complement: TCF3 is on the minus strand). VCF-style: chr19-1632387-C-G. GRCh37 (hg19) VCF-style: chr19-1632386-C-G.
Other names: c.164G>C, p.Ser55Thr (NM_001136139.4, NM_001351778.2, NM_001351779.2); short protein forms S55T.
Identifiers: ClinVar variation 1917222 (VCV001917222.5), dbSNP rs374831661, ClinGen allele CA304102584.

ClinVar aggregate classification (germline): Uncertain significance (1 of 4 stars; one submission).

Allele frequency attached by ClinVar (database versions not stated): gnomAD exomes below 0.00001; gnomAD 0.00001; ESP Exome Variant Server 0.00008.
gnomAD v4.1: 5 of 1,595,752 alleles (0.00031%); highest among the groups gnomAD compares: African/African-American, 0.0067%; no homozygotes.

Submission:

Labcorp Genetics (formerly Invitae), Labcorp
Classification: Uncertain significance. Last evaluated: 2024-10-17. Review status: criteria provided, single submitter. Criteria: Invitae Variant Classification Sherloc (09022015). Collection method: clinical testing. Allele origin: germline.
Comment: This sequence change replaces serine, which is neutral and polar, with threonine, which is neutral and polar, at codon 55 of the TCF3 protein (p.Ser55Thr). This variant is present in population databases (rs374831661, gnomAD 0.01%). This variant has not been reported in the literature in individuals affected with TCF3-related conditions. ClinVar contains an entry for this variant (Variation ID: 1917222). Invitae Evidence Modeling of protein sequence and biophysical properties (such as structural, functional, and spatial information, amino acid conservation, physicochemical variation, residue mobility, and thermodynamic stability) indicates that this missense variant is not expected to disrupt TCF3 protein function with a negative predictive value of 80%. In summary, the available evidence is currently insufficient to determine the role of this variant in disease. Therefore, it has been classified as a Variant of Uncertain Significance.